The following is an entry in ClinVar:

NM_032620.4(GTPBP3):c.388+14T>G

Gene: GTPBP3 (GTP binding protein 3, mitochondrial; plus strand). Cytogenetic location: 19p13.11.
Variant type: single nucleotide variant.
Coding change: c.388+14T>G on transcript NM_032620.4 (MANE Select); 14 bases into the intron after coding-DNA position 388, T replaced by G.
Molecular consequence: intron variant.
Genome position (GRCh38, 1-based): chr19:17,338,465, T>G. VCF-style: chr19-17338465-T-G. GRCh37 (hg19) VCF-style: chr19-17449274-T-G.
Other names: c.454+14T>G (NM_001195422.1); c.388+14T>G (NM_133644.4, NM_001128855.3).
Identifiers: ClinVar variation 1482613 (VCV001482613.5), dbSNP rs777905189, ClinGen allele CA9293330.

ClinVar aggregate classification (germline): Uncertain significance (1 of 4 stars; one submission).

Allele frequency attached by ClinVar (database versions not stated): gnomAD exomes below 0.00001 and 0.00001; ExAC 0.00001; gnomAD 0.00001; TOPMed 0.00001.
gnomAD v4.1: 13 of 1,613,652 alleles (0.00081%); highest among the groups gnomAD compares: African/African-American, 0.0013%; no homozygotes.

Submission:

Labcorp Genetics (formerly Invitae), Labcorp
Classification: Uncertain significance. Last evaluated: 2021-09-01. Review status: criteria provided, single submitter. Criteria: Invitae Variant Classification Sherloc (09022015). Collection method: clinical testing. Allele origin: germline.
Comment: This sequence change falls in intron 3 of the GTPBP3 gene. It does not directly change the encoded amino acid sequence of the GTPBP3 protein. This variant is present in population databases (rs777905189, ExAC 0.002%). This variant has not been reported in the literature in individuals affected with GTPBP3-related conditions. Algorithms developed to predict the effect of sequence changes on RNA splicing suggest that this variant may create or strengthen a splice site. In summary, the available evidence is currently insufficient to determine the role of this variant in disease. Therefore, it has been classified as a Variant of Uncertain Significance.